The following is an entry in ClinVar:

NM_182961.4(SYNE1):c.10039G>A (p.Val3347Ile)

Gene: SYNE1 (spectrin repeat containing nuclear envelope protein 1; minus strand). Cytogenetic location: 6q25.2.
Variant type: single nucleotide variant.
Coding change: c.10039G>A on transcript NM_182961.4 (MANE Select); coding-DNA position 10039, G replaced by A.
Protein change: p.Val3347Ile; replaces valine 3347 with isoleucine.
Molecular consequence: missense variant.
Genome position (GRCh38, 1-based): chr6:152,364,953, C>T on the plus strand (G>A on the coding strand, the complement: SYNE1 is on the minus strand). VCF-style: chr6-152364953-C-T. GRCh37 (hg19) VCF-style: chr6-152686088-C-T.
Other names: c.10060G>A, p.Val3354Ile (NM_033071.5); short protein forms V3354I, V3347I.
Identifiers: ClinVar variation 1391254 (VCV001391254.6), dbSNP rs762448899, ClinGen allele CA4057090.
Genomic context (GRCh38, chr6:152,364,953, plus strand): 5'-TCACACTCTGCAGCTGCTGCTGAATAGTGGGAATGCCTTCTGGAGAAGTATTCTGAAGGA[C>T]AGATTCTCCCCTGGTCACTATCATTTTCATCTGAATCTCTTTTTCCTGTTTGACTGATAA-3'
Protein context (NP_892006.3, residues 3337-3357): MKMIVTRGES[Val3347Ile]LQNTSPEGIP

ClinVar aggregate classification (germline): Uncertain significance (1 of 4 stars; one submission).

Conditions:
Emery-Dreifuss muscular dystrophy 4, autosomal dominant (EDMD4). Also called: EMERY-DREIFUSS MUSCULAR DYSTROPHY 4 WITH VARIABLE FEATURES. Identifiers: Orphanet 261, MedGen C2751807, MONDO:0013071, OMIM 612998.
Autosomal recessive ataxia, Beauce type. Also called: SYNE1-Related Autosomal Recessive Cerebellar Ataxia; Spinocerebellar ataxia, autosomal recessive 8; ATAXIA, RECESSIVE, OF BEAUCE; SYNE1 Deficiency. Identifiers: Orphanet 88644, MedGen C1853116, MONDO:0012549, OMIM 610743.

Allele frequency attached by ClinVar (database versions not stated): gnomAD exomes 0.00001 and 0.00002; TOPMed 0.00001; ExAC 0.00002.
gnomAD v4.1: 16 of 1,614,212 alleles (0.00099%); highest among the groups gnomAD compares: East Asian, 0.033%; no homozygotes.

Submission:

Labcorp Genetics (formerly Invitae), Labcorp
Classification: Uncertain significance for Emery-Dreifuss muscular dystrophy 4, autosomal dominant; Autosomal recessive ataxia, Beauce type. Last evaluated: 2024-02-24. Review status: criteria provided, single submitter. Criteria: Invitae Variant Classification Sherloc (09022015). Collection method: clinical testing. Allele origin: germline.
Comment: This sequence change replaces valine, which is neutral and non-polar, with isoleucine, which is neutral and non-polar, at codon 3354 of the SYNE1 protein (p.Val3354Ile). This variant is present in population databases (rs762448899, gnomAD 0.03%). This variant has not been reported in the literature in individuals affected with SYNE1-related conditions. ClinVar contains an entry for this variant (Variation ID: 1391254). Algorithms developed to predict the effect of missense changes on protein structure and function output the following: SIFT: "Not Available"; PolyPhen-2: "Benign"; Align-GVGD: "Not Available". The isoleucine amino acid residue is found in multiple mammalian species, which suggests that this missense change does not adversely affect protein function. In summary, the available evidence is currently insufficient to determine the role of this variant in disease. Therefore, it has been classified as a Variant of Uncertain Significance.